The following is an entry in ClinVar:

NM_001363818.2(MTX3):c.531A>G (p.Leu177=)

Gene: MTX3 (metaxin 3; minus strand). Cytogenetic location: 5q14.1.
Variant type: single nucleotide variant.
Coding change: c.531A>G on transcript NM_001363818.2 (MANE Select); coding-DNA position 531, A replaced by G.
Protein change: p.Leu177=; no amino-acid change (leucine 177 retained).
Molecular consequence: synonymous variant.
Genome position (GRCh38, 1-based): chr5:79,988,289, T>C on the plus strand (A>G on the coding strand, the complement: MTX3 is on the minus strand). VCF-style: chr5-79988289-T-C. GRCh37 (hg19) VCF-style: chr5-79284112-T-C.
Other names: c.531A>G, p.Leu177= (NM_001010891.5); c.348A>G, p.Leu116= (NM_001167741.2).
Identifiers: ClinVar variation 4535138 (VCV004535138.6).
Genomic context (GRCh38, chr5:79,988,289, plus strand): 5'-GAATACTCACGTATCTCCAAAGAAAAACTGAGATGTTCCCAATCTGTTTGATAGAAGATT[T>C]AGGCACTCCTTGGCATCTCTGTATATCTAATAAGGATGAAATTATATCTCAAAAGTAGAA-3'
Protein context (NP_001350747.1, residues 167-187): AQIYRDAKEC[Leu177=]NLLSNRLGTS

ClinVar aggregate classification (germline): Likely benign (1 of 4 stars; one submission).

Submission:

CeGaT Center for Human Genetics Tuebingen
Classification: Likely benign. Last evaluated: 2025-11-01. Review status: criteria provided, single submitter. Criteria: CeGaT Center For Human Genetics Tuebingen Variant Classification Criteria Version 2. Collection method: clinical testing. Allele origin: germline. Affected: yes. Observed: 1 variant allele.
Comment: MTX3: PM2:Supporting, BP4, BP7